The following is an entry in ClinVar:

NM_001369.3(DNAH5):c.7834C>T (p.His2612Tyr)

Gene: DNAH5 (dynein axonemal heavy chain 5; minus strand). Cytogenetic location: 5p15.2.
Variant type: single nucleotide variant.
Coding change: c.7834C>T on transcript NM_001369.3 (MANE Select); coding-DNA position 7834, C replaced by T.
Protein change: p.His2612Tyr; replaces histidine 2612 with tyrosine.
Molecular consequence: missense variant.
Genome position (GRCh38, 1-based): chr5:13,807,644, G>A on the plus strand (C>T on the coding strand, the complement: DNAH5 is on the minus strand). VCF-style: chr5-13807644-G-A. GRCh37 (hg19) VCF-style: chr5-13807753-G-A.
Other names: short protein forms H2612Y.
Identifiers: ClinVar variation 1760819 (VCV001760819.2), dbSNP rs1211787821, ClinGen allele CA359228006.

ClinVar aggregate classification (germline): Uncertain significance (1 of 4 stars; one submission).

Conditions:
Primary ciliary dyskinesia. Also called: Ciliary dyskinesia. Identifiers: Orphanet 244, MedGen C0008780, MONDO:0016575, HP:0012265.

Allele frequency attached by ClinVar (database versions not stated): gnomAD exomes 0.00001.
gnomAD v4.1: 7 of 1,612,228 alleles (0.00043%); highest among the groups gnomAD compares: Non-Finnish European, 0.00059%; no homozygotes.

Submission:

Ambry Genetics
Classification: Uncertain significance for Primary ciliary dyskinesia. Last evaluated: 2015-08-25. Review status: criteria provided, single submitter. Criteria: Ambry Variant Classification Scheme 2023. Collection method: clinical testing. Allele origin: germline.
Comment: The p.H2612Y variant (also known as c.7834C>T), located in coding exon 47 of the DNAH5 gene, results from a C to T substitution at nucleotide position 7834. The histidine at codon 2612 is replaced by tyrosine, an amino acid with similar properties. This variant was not reported in population based cohorts in the following databases: Database of Single Nucleotide Polymorphisms (dbSNP), NHLBI Exome Sequencing Project (ESP), and 1000 Genomes Project. In the ESP, this variant was not observed in 6503 samples (13006 alleles) with coverage at this position. This amino acid position is well conserved in available vertebrate species. In addition, this alteration is predicted to be tolerated by in silico analysis. Since supporting evidence is limited at this time, the clinical significance of p.H2612Y remains unclear.